The following is an entry in ClinVar:

NM_007194.4(CHEK2):c.659_662del (p.Tyr220fs)

Gene: CHEK2 (checkpoint kinase 2; minus strand). Cytogenetic location: 22q12.1.
Variant type: Deletion.
Coding change: c.659_662del on transcript NM_007194.4 (MANE Select); coding-DNA positions 659 to 662, 4 bases deleted (ACAT; older notation c.659_662delACAT).
Protein change: p.Tyr220fs; shifts the reading frame from tyrosine 220.
Molecular consequence: frameshift variant. On other transcripts: 5 prime UTR variant (2), intron variant (1).
Genome position (GRCh38, 1-based): chr22:28,719,416-28,719,419, ATGT deleted on the plus strand (ACAT on the coding strand, the reverse complement: CHEK2 is on the minus strand); deleting any 4 consecutive bases within chr22:28,719,416-28,719,421 gives the same sequence; the c. name uses the placement nearest the transcript's 3' end. VCF-style (leftmost placement, unchanged base first): chr22-28719415-GATGT-G. GRCh37 (hg19) VCF-style: chr22-29115403-GATGT-G.
Other names: c.788_791del, p.Tyr263fs (NM_001005735.3, NM_001438294.1); c.-5_-2del (NM_001257387.3, NM_001437942.1); c.752_755del, p.Tyr251fs (NM_001438293.1, NM_001438295.1); c.659_662del, p.Tyr220fs (NM_145862.3); c.482+5467_482+5470del (NM_001349956.3); short protein forms Y263fs, Y220fs, Y251fs.
Identifiers: ClinVar variation 840754 (VCV000840754.8), dbSNP rs2053691104, ClinGen allele CA916083815.

ClinVar aggregate classification (germline): Pathogenic (1 of 4 stars; one submission).

Conditions:
Familial cancer of breast. Also called: Hereditary breast cancer; hereditary breast carcinoma; BREAST CANCER, FAMILIAL. Identifiers: Orphanet 227535, MedGen C0346153, MONDO:0016419, OMIM 114480. Disease mechanism: loss of function.

Submission:

Labcorp Genetics (formerly Invitae), Labcorp
Classification: Pathogenic for Familial cancer of breast. Last evaluated: 2019-03-19. Review status: criteria provided, single submitter. Criteria: Invitae Variant Classification Sherloc (09022015). Collection method: clinical testing. Allele origin: germline.
Comment: This variant is not present in population databases (ExAC no frequency). For these reasons, this variant has been classified as Pathogenic. Loss-of-function variants in CHEK2 are known to be pathogenic (PMID: 21876083, 24713400). This variant has not been reported in the literature in individuals with CHEK2-related conditions. This sequence change creates a premature translational stop signal (p.Tyr220Serfs*14) in the CHEK2 gene. It is expected to result in an absent or disrupted protein product.

Literature cited by the submitters: PubMed 21876083; PubMed 24713400.